The following is an entry in ClinVar:

ClinVar aggregate classification (germline): Uncertain significance (1 of 4 stars; one submission).

Allele frequency attached by ClinVar (database versions not stated): gnomAD exomes 0.00001; ExAC 0.00002.

Submission:

Labcorp Genetics (formerly Invitae), Labcorp
Classification: Uncertain significance. Last evaluated: 2022-03-11. Review status: criteria provided, single submitter. Criteria: Invitae Variant Classification Sherloc (09022015). Collection method: clinical testing. Allele origin: germline.
Comment: This sequence change replaces glycine, which is neutral and non-polar, with serine, which is neutral and polar, at codon 135 of the EIF2AK3 protein (p.Gly135Ser). This variant is present in population databases (rs776226805, gnomAD 0.003%). This variant has not been reported in the literature in individuals affected with EIF2AK3-related conditions. Algorithms developed to predict the effect of missense changes on protein structure and function are either unavailable or do not agree on the potential impact of this missense change (SIFT: "Tolerated"; PolyPhen-2: "Possibly Damaging"; Align-GVGD: "Class C0"). In summary, the available evidence is currently insufficient to determine the role of this variant in disease. Therefore, it has been classified as a Variant of Uncertain Significance.

NM_004836.7(EIF2AK3):c.403G>A (p.Gly135Ser)

Gene: EIF2AK3 (eukaryotic translation initiation factor 2 alpha kinase 3; minus strand). Cytogenetic location: 2p11.2.
Variant type: single nucleotide variant.
Coding change: c.403G>A on transcript NM_004836.7 (MANE Select); coding-DNA position 403, G replaced by A.
Protein change: p.Gly135Ser; replaces glycine 135 with serine.
Molecular consequence: missense variant. On other transcripts: 5 prime UTR variant (1).
Genome position (GRCh38, 1-based): chr2:88,613,759, C>T on the plus strand (G>A on the coding strand, the complement: EIF2AK3 is on the minus strand). VCF-style: chr2-88613759-C-T. GRCh37 (hg19) VCF-style: chr2-88913277-C-T.
Other names: c.-51G>A (NM_001313915.2); short protein forms G135S.
Identifiers: ClinVar variation 1980178 (VCV001980178.1), dbSNP rs776226805, ClinGen allele CA1754948.
Genomic context (GRCh38, chr2:88,613,759, plus strand): 5'-TCAACAGTTAACAGAAAATTCTTACCTCTGGTTTGCTAAGGCTGGATGACACCAAGGAAC[C>T]GGATCCCACATCCAAATCCCACTGCTTTTTACCATGATTTTCAGGATCCAAGGCAGCAAT-3'
Protein context (NP_004827.4, residues 125-145): KKQWDLDVGS[Gly135Ser]SLVSSSLSKP